The following is an entry in ClinVar:

ClinVar aggregate classification (germline): Likely benign. Review status: criteria provided, multiple submitters, no conflicts (2 of 4 stars). 2 submissions from 2 submitters: Likely benign (2). Last evaluated 2026-04-16.

Conditions:
Bardet-Biedl syndrome (BBS). Identifiers: Orphanet 110, MedGen C0752166, MONDO:0015229.
BBS10-related disorder. Also called: BBS10-related condition.

Allele frequency attached by ClinVar (database versions not stated): ExAC 0.00001; gnomAD exomes 0.00001; TOPMed 0.00001.
gnomAD v4.1: 10 of 1,613,278 alleles (0.00062%); highest among the groups gnomAD compares: South Asian, 0.0099%; no homozygotes.

Submissions (2):

PreventionGenetics, part of Exact Sciences
Classification: Likely benign for BBS10-related condition. Last evaluated: 2026-04-16. Review status: criteria provided, single submitter. Criteria: ACMG Guidelines, 2015. Collection method: clinical testing. Allele origin: germline.
Comment: This variant is classified as likely benign based on ACMG/AMP sequence variant interpretation guidelines (Richards et al. 2015 PMID: 25741868, with internal and published modifications).

Labcorp Genetics (formerly Invitae), Labcorp
Classification: Likely benign for Bardet-Biedl syndrome. Last evaluated: 2023-10-17. Review status: criteria provided, single submitter. Criteria: Invitae Variant Classification Sherloc (09022015). Collection method: clinical testing. Allele origin: germline.

NM_024685.4(BBS10):c.168G>A (p.Glu56=)

Gene: BBS10 (Bardet-Biedl syndrome 10; minus strand). Cytogenetic location: 12q21.2.
Variant type: single nucleotide variant.
Coding change: c.168G>A on transcript NM_024685.4 (MANE Select); coding-DNA position 168, G replaced by A.
Protein change: p.Glu56=; no amino-acid change (glutamic acid 56 retained).
Molecular consequence: synonymous variant.
Genome position (GRCh38, 1-based): chr12:76,348,191, C>T on the plus strand (G>A on the coding strand, the complement: BBS10 is on the minus strand). VCF-style: chr12-76348191-C-T. GRCh37 (hg19) VCF-style: chr12-76741971-C-T.
Other names: c.168G>A (NM_024685.3).
Identifiers: ClinVar variation 2420956 (VCV002420956.8), dbSNP rs772087272, ClinGen allele CA6694420.